The following is an entry in ClinVar:

NM_014140.4(SMARCAL1):c.5C>T (p.Ser2Phe)

Gene: SMARCAL1 (SNF2 related chromatin remodeling annealing helicase 1; plus strand). Cytogenetic location: 2q35.
Variant type: single nucleotide variant.
Coding change: c.5C>T on transcript NM_014140.4 (MANE Select); coding-DNA position 5, C replaced by T.
Protein change: p.Ser2Phe; replaces serine 2 with phenylalanine.
Molecular consequence: missense variant.
Genome position (GRCh38, 1-based): chr2:216,414,709, C>T. VCF-style: chr2-216414709-C-T. GRCh37 (hg19) VCF-style: chr2-217279432-C-T.
Other names: c.5C>T, p.Ser2Phe (NM_001127207.2); short protein forms S2F.
Identifiers: ClinVar variation 1448824 (VCV001448824.5), dbSNP rs771595818, ClinGen allele CA2097542.

ClinVar aggregate classification (germline): Uncertain significance (1 of 4 stars; one submission).

Conditions:
Schimke immuno-osseous dysplasia (SIOD). Also called: Schimke Immunoosseous Dysplasia. Identifiers: Orphanet 1830, MedGen C0877024, MONDO:0009458, OMIM 242900.

Allele frequency attached by ClinVar (database versions not stated): gnomAD exomes below 0.00001 and 0.00001; ExAC 0.00001.
gnomAD v4.1: 3 of 1,613,836 alleles (0.00019%); highest among the groups gnomAD compares: South Asian, 0.0022%; no homozygotes.

Submission:

Labcorp Genetics (formerly Invitae), Labcorp
Classification: Uncertain significance for Schimke immuno-osseous dysplasia. Last evaluated: 2021-08-28. Review status: criteria provided, single submitter. Criteria: Invitae Variant Classification Sherloc (09022015). Collection method: clinical testing. Allele origin: germline.
Comment: This sequence change replaces serine with phenylalanine at codon 2 of the SMARCAL1 protein (p.Ser2Phe). The serine residue is moderately conserved and there is a large physicochemical difference between serine and phenylalanine. This variant is present in population databases (rs771595818, ExAC 0.006%). This variant has not been reported in the literature in individuals affected with SMARCAL1-related conditions. Algorithms developed to predict the effect of missense changes on protein structure and function are either unavailable or do not agree on the potential impact of this missense change (SIFT: "Deleterious"; PolyPhen-2: "Probably Damaging"; Align-GVGD: "Class C0"). In summary, the available evidence is currently insufficient to determine the role of this variant in disease. Therefore, it has been classified as a Variant of Uncertain Significance.